The following is an entry in ClinVar:

ClinVar aggregate classification (germline): Pathogenic (1 of 4 stars; one submission).

Conditions:
Neurofibromatosis, type 1 (NF1). Also called: NEUROFIBROMATOSIS, TYPE I, SOMATIC; VON RECKLINGHAUSEN DISEASE; Peripheral type neurofibromatosis; Neurofibromatosis, type I. Identifiers: Orphanet 636, MedGen C0027831, MONDO:0018975, OMIM 162200. Disease mechanism: loss of function.

Submission:

Labcorp Genetics (formerly Invitae), Labcorp
Classification: Pathogenic for Neurofibromatosis, type 1. Last evaluated: 2025-05-07. Review status: criteria provided, single submitter. Criteria: Invitae Variant Classification Sherloc (09022015). Collection method: clinical testing. Allele origin: germline.
Comment: This sequence change creates a premature translational stop signal (p.Leu555*) in the NF1 gene. It is expected to result in an absent or disrupted protein product. Loss-of-function variants in NF1 are known to be pathogenic (PMID: 10712197, 23913538). This variant is not present in population databases (gnomAD no frequency). This premature translational stop signal has been observed in individual(s) with neurofibromatosis 1 (PMID: 36688894). For these reasons, this variant has been classified as Pathogenic.

Literature cited by the submitters: PubMed 10712197; PubMed 23913538; PubMed 36688894.

NM_001042492.3(NF1):c.1664T>A (p.Leu555Ter)

Gene: NF1 (neurofibromin 1; plus strand). Cytogenetic location: 17q11.2.
Variant type: single nucleotide variant.
Coding change: c.1664T>A on transcript NM_001042492.3 (MANE Select); coding-DNA position 1664, T replaced by A.
Protein change: p.Leu555Ter; replaces leucine 555 with a stop codon.
Molecular consequence: nonsense.
Genome position (GRCh38, 1-based): chr17:31,221,872, T>A. VCF-style: chr17-31221872-T-A. GRCh37 (hg19) VCF-style: chr17-29548890-T-A.
Other names: c.1664T>A, p.Leu555Ter (NM_000267.4, NM_001128147.3); short protein forms L555*.
Identifiers: ClinVar variation 4719108 (VCV004719108.1).